The following is an entry in ClinVar:

NM_000193.4(SHH):c.835G>T (p.Asp279Tyr)

Gene: SHH (sonic hedgehog signaling molecule; minus strand). Cytogenetic location: 7q36.3.
Variant type: single nucleotide variant.
Coding change: c.835G>T on transcript NM_000193.4 (MANE Select); coding-DNA position 835, G replaced by T.
Protein change: p.Asp279Tyr; replaces aspartic acid 279 with tyrosine.
Molecular consequence: missense variant. On other transcripts: intron variant (1).
Genome position (GRCh38, 1-based): chr7:155,803,454, C>A on the plus strand (G>T on the coding strand, the complement: SHH is on the minus strand). VCF-style: chr7-155803454-C-A. GRCh37 (hg19) VCF-style: chr7-155596148-C-A.
Other names: c.301+2842G>T (NM_001310462.2); short protein forms D279Y.
Identifiers: ClinVar variation 2662077 (VCV002662077.1), dbSNP rs1803256649, ClinGen allele CA370145965.

ClinVar aggregate classification (germline): Uncertain significance (1 of 4 stars; one submission).

Allele frequency attached by ClinVar (database versions not stated): TOPMed below 0.00001.
gnomAD v4.1: 4 of 1,546,788 alleles (0.00026%); highest among the groups gnomAD compares: Non-Finnish European, 0.00026%; no homozygotes.

Submission:

GeneDx
Classification: Uncertain significance. Last evaluated: 2023-04-30. Review status: criteria provided, single submitter. Criteria: GeneDx Variant Classification Process June 2021. Collection method: clinical testing. Allele origin: germline. Affected: yes.
Comment: Not observed at significant frequency in large population cohorts (gnomAD); In silico analysis supports that this missense variant does not alter protein structure/function; Has not been previously published as pathogenic or benign to our knowledge